The following is an entry in ClinVar:

ClinVar aggregate classification (germline): Likely benign. Review status: criteria provided, single submitter (1 of 4 stars). 2 submissions from 2 submitters: Likely benign (1). 1 of the submissions does not count toward it. Last evaluated 2025-06-12.

Conditions:
PLCE1-related disorder. Also called: PLCE1-related condition.

Allele frequency attached by ClinVar (database versions not stated): gnomAD exomes 0.00001; ExAC 0.00003; gnomAD 0.00011; TOPMed 0.00015; 1000 Genomes Project 30x 0.00016; ESP Exome Variant Server 0.00016; 1000 Genomes Project 0.00020.
gnomAD v4.1: 39 of 1,614,054 alleles (0.0024%); highest among the groups gnomAD compares: African/African-American, 0.043%; no homozygotes.

Submissions (2):

Labcorp Genetics (formerly Invitae), Labcorp
Classification: Likely benign. Last evaluated: 2025-06-12. Review status: criteria provided, single submitter. Criteria: Invitae Variant Classification Sherloc (09022015). Collection method: clinical testing. Allele origin: germline.

PreventionGenetics, part of Exact Sciences
Classification: Likely benign for PLCE1-related condition. Last evaluated: 2024-02-13. Review status: no assertion criteria provided. Collection method: clinical testing. Allele origin: germline. Not counted in ClinVar's aggregate classification.
Comment: This variant is classified as likely benign based on ACMG/AMP sequence variant interpretation guidelines (Richards et al. 2015 PMID: 25741868, with internal and published modifications).

NM_016341.4(PLCE1):c.3996C>T (p.Phe1332=)

Gene: PLCE1 (phospholipase C epsilon 1; plus strand). Cytogenetic location: 10q23.33.
Variant type: single nucleotide variant.
Coding change: c.3996C>T on transcript NM_016341.4 (MANE Select); coding-DNA position 3996, C replaced by T.
Protein change: p.Phe1332=; no amino-acid change (phenylalanine 1332 retained).
Molecular consequence: synonymous variant.
Genome position (GRCh38, 1-based): chr10:94,262,675, C>T. VCF-style: chr10-94262675-C-T. GRCh37 (hg19) VCF-style: chr10-96022432-C-T.
Other names: c.3996C>T (NM_016341.3); c.3072C>T, p.Phe1024= (NM_001165979.2); c.3948C>T, p.Phe1316= (NM_001288989.2).
Identifiers: ClinVar variation 2179383 (VCV002179383.6), dbSNP rs377285124, ClinGen allele CA5613029.